The following is an entry in ClinVar:

ClinVar aggregate classification (germline): Uncertain significance. Review status: criteria provided, multiple submitters, no conflicts (2 of 4 stars). 6 submissions from 6 submitters: Uncertain significance (6). Last evaluated 2026-02-01.

Conditions:
Fanconi anemia complementation group F. Also called: FANCF-Related Fanconi Anemia. Identifiers: Orphanet 84, MedGen C3469526, MONDO:0011325, OMIM 603467.
Fanconi anemia (FA). Also called: Fanconi's anemia. Identifiers: Orphanet 84, MedGen C0015625, MeSH D005199, MONDO:0019391.

Allele frequency attached by ClinVar (database versions not stated): gnomAD exomes 0.00004 and 0.00010; ExAC 0.00005; ESP Exome Variant Server 0.00015; gnomAD 0.00034; TOPMed 0.00037; 1000 Genomes Project 30x 0.00047; 1000 Genomes Project 0.00060.

Submissions (6):

Labcorp Genetics (formerly Invitae), Labcorp
Classification: Uncertain significance for Fanconi anemia. Last evaluated: 2026-02-01. Review status: criteria provided, single submitter. Criteria: Invitae Variant Classification Sherloc (09022015). Collection method: clinical testing. Allele origin: germline.
Comment: This sequence change replaces valine, which is neutral and non-polar, with methionine, which is neutral and non-polar, at codon 31 of the FANCF protein (p.Val31Met). This variant is present in population databases (rs11556562, gnomAD 0.1%). This variant has not been reported in the literature in individuals affected with FANCF-related conditions. ClinVar contains an entry for this variant (Variation ID: 965327). Invitae Evidence Modeling of protein sequence and biophysical properties (such as structural, functional, and spatial information, amino acid conservation, physicochemical variation, residue mobility, and thermodynamic stability) indicates that this missense variant is expected to disrupt FANCF protein function with a positive predictive value of 80%. In summary, the available evidence is currently insufficient to determine the role of this variant in disease. Therefore, it has been classified as a Variant of Uncertain Significance.

Blueprint Genetics
Classification: Uncertain significance. Last evaluated: 2024-11-21. Review status: criteria provided, single submitter. Criteria: ACMG Guidelines, 2015. Collection method: clinical testing. Allele origin: germline.

Fulgent Genetics
Classification: Uncertain significance for Fanconi anemia complementation group F. Last evaluated: 2024-02-29. Review status: criteria provided, single submitter. Criteria: ACMG Guidelines, 2015. Collection method: clinical testing. Allele origin: germline.

Sema4
Classification: Uncertain significance for Fanconi anemia. Last evaluated: 2021-11-16. Review status: criteria provided, single submitter. Criteria: Sema4 Curation Guidelines. Collection method: curation. Allele origin: germline.
Comment: The FANCF c.91G>A (p.V31M) variant has not been reported in the literature to our knowledge. This variant was observed in 27/24804 chromosomes in the African/African American population according to the Genome Aggregation Database (PMID: 32461654). This variant has been reported in ClinVar (Variation ID 965327). Functional studies have not been performed, and in silico predictions of the variant's effect on protein function are inconclusive. The overall evidence is insufficient to meet ACMG/AMP criteria for classifying it as benign or pathogenic. In summary, the clinical significance of this variant is currently uncertain.

GeneDx
Classification: Uncertain significance. Last evaluated: 2019-12-05. Review status: criteria provided, single submitter. Criteria: GeneDx Variant Classification Process June 2021. Collection method: clinical testing. Allele origin: germline. Affected: yes.
Comment: In silico analysis, which includes protein predictors and evolutionary conservation, supports that this variant does not alter protein structure/function; Has not been previously published as pathogenic or benign to our knowledge

Revvity Omics, Revvity
Classification: Uncertain significance for Fanconi anemia complementation group F. Last evaluated: 2019-11-25. Review status: criteria provided, single submitter. Criteria: ACMG Guidelines, 2015. Collection method: clinical testing. Allele origin: germline.

NM_022725.4(FANCF):c.91G>A (p.Val31Met)

Gene: FANCF (FA complementation group F; minus strand). Cytogenetic location: 11p14.3.
Variant type: single nucleotide variant.
Coding change: c.91G>A on transcript NM_022725.4 (MANE Select); coding-DNA position 91, G replaced by A.
Protein change: p.Val31Met; replaces valine 31 with methionine.
Molecular consequence: missense variant.
Genome position (GRCh38, 1-based): chr11:22,625,720, C>T on the plus strand (G>A on the coding strand, the complement: FANCF is on the minus strand). VCF-style: chr11-22625720-C-T. GRCh37 (hg19) VCF-style: chr11-22647266-C-T.
Other names: short protein forms V31M.
Identifiers: ClinVar variation 965327 (VCV000965327.16), dbSNP rs11556562, ClinGen allele CA5924436.